The following is an entry in ClinVar:

NM_024757.5(EHMT1):c.1794dup (p.Asn599Ter)

Gene: EHMT1 (euchromatic histone lysine methyltransferase 1; plus strand). Cytogenetic location: 9q34.3.
Variant type: Duplication.
Coding change: c.1794dup on transcript NM_024757.5 (MANE Select); coding-DNA position 1794, one base duplicated (T; older notation c.1794dupT).
Protein change: p.Asn599Ter; replaces asparagine 599 with a stop codon.
Molecular consequence: nonsense.
Genome position (GRCh38, 1-based): chr9:137,776,620, T duplicated. VCF-style (leftmost placement, unchanged base first): chr9-137776619-G-GT. GRCh37 (hg19) VCF-style: chr9-140671071-G-GT.
Other names: c.1794dup, p.Asn599Ter (NM_001145527.2); c.1701dup, p.Asn568Ter (NM_001354259.2); c.1773dup, p.Asn592Ter (NM_001354263.2); short protein forms N568*, N592*, N599*.
Identifiers: ClinVar variation 3391427 (VCV003391427.1).

ClinVar aggregate classification (germline): Pathogenic (1 of 4 stars; one submission).

Conditions:
Kleefstra syndrome 1 (KLEFS1). Identifiers: Orphanet 261494, MedGen C0795833, MONDO:0027407, OMIM 610253.

Submission:

Clinical Genetics Center, Xinhua Hospital affiliated to Shanghai Jiao Tong University School of Medicine
Classification: Pathogenic for Kleefstra syndrome 1. Last evaluated: 2024-11-01. Review status: criteria provided, single submitter. Criteria: ACMG Guidelines, 2015. Collection method: clinical testing. Allele origin: de novo. Affected: yes.
Comment: PVS1+PM6+PM2_Supporting